The following is an entry in ClinVar:

NM_000447.3(PSEN2):c.1043C>T (p.Pro348Leu)

Gene: PSEN2 (presenilin 2; plus strand). Cytogenetic location: 1q42.13.
Variant type: single nucleotide variant.
Coding change: c.1043C>T on transcript NM_000447.3 (MANE Select); coding-DNA position 1043, C replaced by T.
Protein change: p.Pro348Leu; replaces proline 348 with leucine.
Molecular consequence: missense variant.
Genome position (GRCh38, 1-based): chr1:226,891,815, C>T. VCF-style: chr1-226891815-C-T. GRCh37 (hg19) VCF-style: chr1-227079516-C-T.
Other names: c.1043C>T, p.Pro348Leu (NM_001437537.1); c.1040C>T, p.Pro347Leu (NM_012486.3); short protein forms P347L, P348L.
Identifiers: ClinVar variation 4805209 (VCV004805209.1).
Genomic context (GRCh38, chr1:226,891,815, plus strand): 5'-ATGACAGTTTTGGGGAGCCTTCATACCCCGAAGTCTTTGAGCCTCCCTTGACTGGCTACC[C>T]AGGGGAGGAGCTGGAGGAAGAGGAGGAAAGTAAGGTGCCCATGTTCACACGGCCTGCTTC-3'
Protein context (NP_000438.2, residues 338-358): EVFEPPLTGY[Pro348Leu]GEELEEEEER

ClinVar aggregate classification (germline): Uncertain significance (1 of 4 stars; one submission).

Conditions:
Alzheimer disease 4 (AD4). Identifiers: Orphanet 1020, MedGen C1847200, MONDO:0011743, OMIM 606889.

Submission:

Labcorp Genetics (formerly Invitae), Labcorp
Classification: Uncertain significance for Alzheimer disease 4. Last evaluated: 2025-03-19. Review status: criteria provided, single submitter. Criteria: Invitae Variant Classification Sherloc (09022015). Collection method: clinical testing. Allele origin: germline.
Comment: This sequence change replaces proline, which is neutral and non-polar, with leucine, which is neutral and non-polar, at codon 348 of the PSEN2 protein (p.Pro348Leu). This variant is not present in population databases (gnomAD no frequency). This missense change has been observed in individual(s) with PSEN2-related conditions (PMID: 26522186). An algorithm developed to predict the effect of missense changes on protein structure and function outputs the following: PolyPhen-2: "Benign". The leucine amino acid residue is found in multiple mammalian species, which suggests that this missense change does not adversely affect protein function. Experimental studies have shown that this missense change affects PSEN2 function (PMID: 32087291). In summary, the available evidence is currently insufficient to determine the role of this variant in disease. Therefore, it has been classified as a Variant of Uncertain Significance.

Literature cited by the submitters: PubMed 26522186; PubMed 32087291.